The following is an entry in ClinVar:

NM_002474.3(MYH11):c.5215G>A (p.Ala1739Thr)

Genes: MYH11 (myosin heavy chain 11; minus strand), NDE1 (nudE neurodevelopment protein 1; plus strand). Cytogenetic location: 16p13.11.
Variant type: single nucleotide variant.
Coding change: c.5215G>A on transcript NM_002474.3 (MANE Select); coding-DNA position 5215, G replaced by A.
Protein change: p.Ala1739Thr; replaces alanine 1739 with threonine.
Molecular consequence: missense variant. On other transcripts: intron variant (2).
Genome position (GRCh38, 1-based): chr16:15,718,395, C>T on the plus strand (G>A on the coding strand, the complement: MYH11 is on the minus strand). VCF-style: chr16-15718395-C-T. GRCh37 (hg19) VCF-style: chr16-15812252-C-T.
Other names: c.5236G>A, p.Ala1746Thr (NM_001040113.2, NM_001040114.2); c.5215G>A, p.Ala1739Thr (NM_022844.3); c.948-5796C>T (NM_001143979.2, NM_017668.3); short protein forms A1746T, A1739T.
Identifiers: ClinVar variation 465747 (VCV000465747.20), dbSNP rs1029371842, ClinGen allele CA278596120.

ClinVar aggregate classification (germline): Conflicting classifications of pathogenicity. Review status: criteria provided, conflicting classifications (1 of 4 stars). 5 submissions from 5 submitters: Uncertain significance (4); Likely benign (1). Last evaluated 2026-01-27.

Conditions:
Aortic aneurysm, familial thoracic 4 (AAT4). Also called: AORTIC ANEURYSM/AORTIC DISSECTION AND PATENT DUCTUS ARTERIOSUS. Identifiers: MedGen C1851504, MONDO:0007568, OMIM 132900.
Familial thoracic aortic aneurysm and aortic dissection (TAAD). Also called: Thoracic aortic aneurysms and dissections. Identifiers: Orphanet 91387, MedGen C4707243, MONDO:0019625.

Allele frequency attached by ClinVar (database versions not stated): gnomAD exomes below 0.00001 and 0.00001; TOPMed 0.00002.
gnomAD v4.1: 18 of 1,598,956 alleles (0.0011%); highest among the groups gnomAD compares: African/African-American, 0.0027%; no homozygotes.

Submissions (5):

Labcorp Genetics (formerly Invitae), Labcorp
Classification: Uncertain significance for Aortic aneurysm, familial thoracic 4. Last evaluated: 2026-01-27. Review status: criteria provided, single submitter. Criteria: Invitae Variant Classification Sherloc (09022015). Collection method: clinical testing. Allele origin: germline.
Comment: This sequence change replaces alanine, which is neutral and non-polar, with threonine, which is neutral and polar, at codon 1746 of the MYH11 protein (p.Ala1746Thr). The frequency data for this variant in the population databases is considered unreliable, as metrics indicate poor data quality at this position in the gnomAD database. This variant has not been reported in the literature in individuals affected with MYH11-related conditions. ClinVar contains an entry for this variant (Variation ID: 465747). Invitae Evidence Modeling of protein sequence and biophysical properties (such as structural, functional, and spatial information, amino acid conservation, physicochemical variation, residue mobility, and thermodynamic stability) indicates that this missense variant is not expected to disrupt MYH11 protein function with a negative predictive value of 95%. In summary, the available evidence is currently insufficient to determine the role of this variant in disease. Therefore, it has been classified as a Variant of Uncertain Significance.

Color Diagnostics, LLC DBA Color Health
Classification: Likely benign for Familial thoracic aortic aneurysm and aortic dissection. Last evaluated: 2025-04-07. Review status: criteria provided, single submitter. Criteria: ACMG Guidelines, 2015. Collection method: clinical testing. Allele origin: germline.

GeneDx
Classification: Uncertain significance. Last evaluated: 2025-03-11. Review status: criteria provided, single submitter. Criteria: GeneDx Variant Classification Process June 2021. Collection method: clinical testing. Allele origin: germline. Affected: yes.
Comment: Has not been previously published as pathogenic or benign to our knowledge; Not observed at significant frequency in large population cohorts (gnomAD); In silico analysis indicates that this missense variant does not alter protein structure/function

Blueprint Genetics
Classification: Uncertain significance. Last evaluated: 2024-06-05. Review status: criteria provided, single submitter. Criteria: ACMG Guidelines, 2015. Collection method: clinical testing. Allele origin: germline.

Ambry Genetics
Classification: Uncertain significance for Familial thoracic aortic aneurysm and aortic dissection. Last evaluated: 2023-10-01. Review status: criteria provided, single submitter. Criteria: Ambry Variant Classification Scheme 2023. Collection method: clinical testing. Allele origin: germline.
Comment: The p.A1739T variant (also known as c.5215G>A), located in coding exon 36 of the MYH11 gene, results from a G to A substitution at nucleotide position 5215. The alanine at codon 1739 is replaced by threonine, an amino acid with similar properties. This amino acid position is conserved. In addition, this alteration is predicted to be tolerated by in silico analysis. Since supporting evidence is limited at this time, the clinical significance of this alteration remains unclear.